The following is an entry in ClinVar:

ClinVar aggregate classification (germline): Uncertain significance (1 of 4 stars; one submission).

Submission:

Women's Health and Genetics/Laboratory Corporation of America, LabCorp
Classification: Uncertain significance. Last evaluated: 2025-07-14. Review status: criteria provided, single submitter. Criteria: LabCorp Variant Classification Summary - May 2015. Collection method: clinical testing. Allele origin: germline.
Comment: Variant summary: The variant involves the duplication of exons 64-66 in the COL5A1 gene. The exact breakpoint at the 3' end of this variant is unknown, therefore this duplication may extend downstream of the annotated region of the gene. As it duplicates the termination codon, its effect on the encoded protein is unknown. A presumed nomenclature of c.(5067+1_5068-1)_(*2541_?)dup has been designated for the purposes of this classification. The variant was absent in 21692 control chromosomes. The available data on variant occurrences in the general population are insufficient to allow any conclusion about variant significance. To our knowledge, no occurrence of c.(5067+1_5068-1)_(*2541_?)dup in individuals affected with Ehlers-Danlos Syndrome and no experimental evidence demonstrating its impact on protein function have been reported. ClinVar contains an entry for this variant (Variation ID: 3245112). Based on the evidence outlined above, the variant was classified as uncertain significance.

NC_000009.11:g.(137717751_137721821)_(137736690_?)dup

Gene: COL5A1 (collagen type V alpha 1 chain; plus strand). Cytogenetic location: 9q34.3.
Variant type: Duplication.
Identifiers: ClinVar variation 4525935 (VCV004525935.1).